The following is an entry in ClinVar:

NM_001384732.1(CPLANE1):c.4907A>T (p.Asp1636Val)

Gene: CPLANE1 (ciliogenesis and planar polarity effector complex subunit 1; minus strand). Cytogenetic location: 5p13.2.
Variant type: single nucleotide variant.
Coding change: c.4907A>T on transcript NM_001384732.1 (MANE Select); coding-DNA position 4907, A replaced by T.
Protein change: p.Asp1636Val; replaces aspartic acid 1636 with valine.
Molecular consequence: missense variant.
Genome position (GRCh38, 1-based): chr5:37,183,274, T>A on the plus strand (A>T on the coding strand, the complement: CPLANE1 is on the minus strand). VCF-style: chr5-37183274-T-A. GRCh37 (hg19) VCF-style: chr5-37183376-T-A.
Other names: c.4907A>T, p.Asp1636Val (NM_023073.4); c.4907A>T (NM_023073.3); short protein forms D1636V.
Identifiers: ClinVar variation 1895957 (VCV001895957.4), dbSNP rs747558469, ClinGen allele CA3238634.

ClinVar aggregate classification (germline): Uncertain significance. Review status: criteria provided, multiple submitters, no conflicts (2 of 4 stars). 2 submissions from 2 submitters: Uncertain significance (2). Last evaluated 2024-05-03.

Conditions:
Joubert syndrome 17 (JBTS17). Identifiers: Orphanet 475, MedGen C3553264, MONDO:0013824, OMIM 614615.
Orofaciodigital syndrome type 6 (OFD6). Also called: OROFACIODIGITAL SYNDROME VI; OFDS VI; POLYDACTYLY, CLEFT LIP/PALATE OR LINGUAL LUMP, AND PSYCHOMOTOR RETARDATION; VARADI SYNDROME; VARADI-PAPP SYNDROME; Oral-facial-digital syndrome type 6. Identifiers: Orphanet 2754, MedGen C2745997, MONDO:0010176, OMIM 277170.

Allele frequency attached by ClinVar (database versions not stated): gnomAD 0.00001.
gnomAD v4.1: 2 of 1,613,366 alleles (0.00012%); highest among the groups gnomAD compares: Non-Finnish European, 0.00017%; no homozygotes.

Submissions (2):

Fulgent Genetics
Classification: Uncertain significance for Orofaciodigital syndrome type 6; Joubert syndrome 17. Last evaluated: 2024-05-03. Review status: criteria provided, single submitter. Criteria: ACMG Guidelines, 2015. Collection method: clinical testing. Allele origin: germline.

Labcorp Genetics (formerly Invitae), Labcorp
Classification: Uncertain significance. Last evaluated: 2023-12-07. Review status: criteria provided, single submitter. Criteria: Invitae Variant Classification Sherloc (09022015). Collection method: clinical testing. Allele origin: germline.
Comment: This sequence change replaces aspartic acid, which is acidic and polar, with valine, which is neutral and non-polar, at codon 1636 of the CPLANE1 protein (p.Asp1636Val). This variant is present in population databases (rs747558469, gnomAD 0.0009%). This variant has not been reported in the literature in individuals affected with CPLANE1-related conditions. ClinVar contains an entry for this variant (Variation ID: 1895957). Advanced modeling of protein sequence and biophysical properties (such as structural, functional, and spatial information, amino acid conservation, physicochemical variation, residue mobility, and thermodynamic stability) performed at Invitae indicates that this missense variant is not expected to disrupt CPLANE1 protein function with a negative predictive value of 95%. In summary, the available evidence is currently insufficient to determine the role of this variant in disease. Therefore, it has been classified as a Variant of Uncertain Significance.